The following is an entry in ClinVar:

NM_000091.5(COL4A3):c.3956G>A (p.Gly1319Glu)

Genes: COL4A3 (collagen type IV alpha 3 chain; plus strand), MFF-DT (MFF divergent transcript; minus strand). Cytogenetic location: 2q36.3.
Variant type: single nucleotide variant.
Coding change: c.3956G>A on transcript NM_000091.5 (MANE Select); coding-DNA position 3956, G replaced by A.
Protein change: p.Gly1319Glu; replaces glycine 1319 with glutamic acid.
Molecular consequence: missense variant.
Genome position (GRCh38, 1-based): chr2:227,303,859, G>A. VCF-style: chr2-227303859-G-A. GRCh37 (hg19) VCF-style: chr2-228168575-G-A.
Other names: short protein forms G1319E.
Identifiers: ClinVar variation 1331149 (VCV001331149.4), dbSNP rs1178734829, ClinGen allele CA350862351.
Genomic context (GRCh38, chr2:227,303,859, plus strand): 5'-GAAGAACTAGGAAACCCATTGATCTAAGTGGAATCACACTGTGTCTTTGTTTGTTTTTAG[G>A]AGAAAAGGGTAATCCTGGATTTCTAGGATCCATTGGACCTCCAGGACCAATTGGGCCAAA-3'
Protein context (NP_000082.2, residues 1309-1329): PGFQGFPGVK[Gly1319Glu]EKGNPGFLGS

ClinVar aggregate classification (germline): Conflicting classifications of pathogenicity. Review status: criteria provided, conflicting classifications (1 of 4 stars). 3 submissions from 3 submitters: Likely pathogenic (1); Uncertain significance (2). Last evaluated 2026-04-02.

Conditions:
Autosomal dominant Alport syndrome (ATS3A). Also called: Renal failure and sensorineural hearing loss; Alport syndrome dominant type; ALPORT SYNDROME 3A, AUTOSOMAL DOMINANT. Identifiers: Orphanet 63, Orphanet 88918, MedGen C5882663, MONDO:0007086, OMIM 104200.
Alport syndrome 3b, autosomal recessive. Identifiers: MedGen C5882699, MONDO:0957811, OMIM 620536.
Hematuria, benign familial, 2 (BFH2). Identifiers: MedGen C5830421, MONDO:0958186, OMIM 620320.
Alport syndrome. Also called: Hemorrhagic familial nephritis; Hemorrhagic hereditary nephritis; Congenital hereditary hematuria. Identifiers: Orphanet 63, MedGen C1567741, MONDO:0018965.

Allele frequency attached by ClinVar (database versions not stated): gnomAD exomes 0.00001; TOPMed 0.00001; gnomAD 0.00003 and 0.00004.
gnomAD v4.1: 11 of 1,613,810 alleles (0.00068%); highest among the groups gnomAD compares: Non-Finnish European, 0.00059%; no homozygotes.

Submissions (3):

Myriad Genetics, Inc.
Classification: Uncertain significance for Alport syndrome. Last evaluated: 2026-04-02. Review status: criteria provided, single submitter. Criteria: Myriad Autosomal Dominant, Autosomal Recessive and X-Linked Classification Criteria (2023). Collection method: clinical testing. Allele origin: unknown.
Comment: NM_000091.4(COL4A3):c.3956G>A(G1319E) is a missense variant classified as a variant of uncertain significance in the context of Alport syndrome, COL4A3-related. G1319E has not been observed in cases with relevant disease. Relevant functional assessments of this variant are not available in the literature. G1319E has not been observed in referenced population frequency databases. In summary, there is insufficient evidence to classify NM_000091.4(COL4A3):c.3956G>A(G1319E) as pathogenic or benign. Please note: this variant was assessed in the context of healthy population screening.

Fulgent Genetics
Classification: Likely pathogenic for Autosomal dominant Alport syndrome; Hematuria, benign familial, 2; Alport syndrome 3b, autosomal recessive. Last evaluated: 2024-05-28. Review status: criteria provided, single submitter. Criteria: ACMG Guidelines, 2015. Collection method: clinical testing. Allele origin: germline.

GeneDx
Classification: Uncertain significance. Last evaluated: 2021-06-25. Review status: criteria provided, single submitter. Criteria: GeneDx Variant Classification Process June 2021. Collection method: clinical testing. Allele origin: germline. Affected: yes.
Comment: In silico analysis supports that this missense variant has a deleterious effect on protein structure/function; Affects a glycine residue in a Gly-X-Y motif in the triple helical region of the COL4A3 gene; Has not been previously published as pathogenic or benign to our knowledge; This variant is associated with the following publications: (PMID: 27535533)